The following is an entry in ClinVar:

ClinVar aggregate classification (germline): Likely benign. Review status: criteria provided, multiple submitters, no conflicts (2 of 4 stars). 2 submissions from 2 submitters: Likely benign (2). Last evaluated 2022-11-01.

Allele frequency attached by ClinVar (database versions not stated): gnomAD exomes below 0.00001; TOPMed 0.00001.
gnomAD v4.1: 1 of 1,613,810 alleles (0.000062%); highest among the groups gnomAD compares: Non-Finnish European, 0.000085%; no homozygotes.

Submissions (2):

CeGaT Center for Human Genetics Tuebingen
Classification: Likely benign. Last evaluated: 2022-11-01. Review status: criteria provided, single submitter. Criteria: CeGaT Center For Human Genetics Tuebingen Variant Classification Criteria Version 2. Collection method: clinical testing. Allele origin: germline. Affected: yes. Observed: 1 variant allele.
Comment: COL11A1: PM2:Supporting, BP4, BP7

Blueprint Genetics
Classification: Likely benign. Last evaluated: 2021-06-03. Review status: criteria provided, single submitter. Criteria: ACMG Guidelines, 2015. Collection method: clinical testing. Allele origin: germline.

NM_001854.4(COL11A1):c.1176A>G (p.Lys392=)

Gene: COL11A1 (collagen type XI alpha 1 chain; minus strand). Cytogenetic location: 1p21.1.
Variant type: single nucleotide variant.
Coding change: c.1176A>G on transcript NM_001854.4 (MANE Select); coding-DNA position 1176, A replaced by G.
Protein change: p.Lys392=; no amino-acid change (lysine 392 retained).
Molecular consequence: synonymous variant. On other transcripts: non-coding transcript variant (1), intron variant (1).
Genome position (GRCh38, 1-based): chr1:103,022,811, T>C on the plus strand (A>G on the coding strand, the complement: COL11A1 is on the minus strand). VCF-style: chr1-103022811-T-C. GRCh37 (hg19) VCF-style: chr1-103488367-T-C.
Other names: c.1059A>G, p.Lys353= (NM_001190709.2); c.1212A>G, p.Lys404= (NM_080629.3); c.898-1042A>G (NM_080630.4).
Identifiers: ClinVar variation 2638954 (VCV002638954.25), dbSNP rs1279803613, ClinGen allele CA419318229.